The following is an entry in ClinVar:

ClinVar aggregate classification (germline): Uncertain significance. Review status: criteria provided, multiple submitters, no conflicts (2 of 4 stars). 3 submissions from 3 submitters: Uncertain significance (2). 1 of the submissions does not count toward it. Last evaluated 2023-08-13.

Conditions:
LAMA5-related disorder. Also called: LAMA5-Related Disorders; LAMA5-related condition.
Inborn genetic diseases. Identifiers: MedGen C0950123, MeSH D030342.

Allele frequency attached by ClinVar (database versions not stated): gnomAD 0.00001; gnomAD exomes 0.00002; ExAC 0.00003; TOPMed 0.00004.
gnomAD v4.1: 27 of 1,612,394 alleles (0.0017%); highest among the groups gnomAD compares: South Asian, 0.0044%; no homozygotes.

Submissions (3):

Labcorp Genetics (formerly Invitae), Labcorp
Classification: Uncertain significance. Last evaluated: 2023-08-13. Review status: criteria provided, single submitter. Criteria: Invitae Variant Classification Sherloc (09022015). Collection method: clinical testing. Allele origin: germline.
Comment: This variant is present in population databases (rs750776342, gnomAD 0.007%). This variant has not been reported in the literature in individuals affected with LAMA5-related conditions. ClinVar contains an entry for this variant (Variation ID: 2467631). An algorithm developed to predict the effect of missense changes on protein structure and function (PolyPhen-2) suggests that this variant is likely to be disruptive. In summary, the available evidence is currently insufficient to determine the role of this variant in disease. Therefore, it has been classified as a Variant of Uncertain Significance. This sequence change replaces arginine, which is basic and polar, with cysteine, which is neutral and slightly polar, at codon 335 of the LAMA5 protein (p.Arg335Cys).

Ambry Genetics
Classification: Uncertain significance for Inborn genetic diseases. Last evaluated: 2023-03-06. Review status: criteria provided, single submitter. Criteria: Ambry Variant Classification Scheme 2023. Collection method: clinical testing. Allele origin: germline.

PreventionGenetics, part of Exact Sciences
Classification: Uncertain significance for LAMA5-related condition. Last evaluated: 2024-01-17. Review status: no assertion criteria provided. Collection method: clinical testing. Allele origin: germline. Not counted in ClinVar's aggregate classification.
Comment: The LAMA5 c.1003C>T variant is predicted to result in the amino acid substitution p.Arg335Cys. To our knowledge, this variant has not been reported in the literature. This variant is reported in 0.0065% of alleles in individuals of South Asian descent in gnomAD. At this time, the clinical significance of this variant is uncertain due to the absence of conclusive functional and genetic evidence.

NM_005560.6(LAMA5):c.1003C>T (p.Arg335Cys)

Gene: LAMA5 (laminin subunit alpha 5; minus strand). Cytogenetic location: 20q13.33.
Variant type: single nucleotide variant.
Coding change: c.1003C>T on transcript NM_005560.6 (MANE Select); coding-DNA position 1003, C replaced by T.
Protein change: p.Arg335Cys; replaces arginine 335 with cysteine.
Molecular consequence: missense variant.
Genome position (GRCh38, 1-based): chr20:62,346,982, G>A on the plus strand (C>T on the coding strand, the complement: LAMA5 is on the minus strand). VCF-style: chr20-62346982-G-A. GRCh37 (hg19) VCF-style: chr20-60922038-G-A.
Other names: c.1003C>T (NM_005560.4); short protein forms R335C.
Identifiers: ClinVar variation 2467631 (VCV002467631.7), dbSNP rs750776342, ClinGen allele CA9944165.